The following is an entry in ClinVar:

ClinVar aggregate classification (germline): Uncertain significance (1 of 4 stars; one submission).

gnomAD v4.1: 32 of 1,613,158 alleles (0.002%); highest among the groups gnomAD compares: Non-Finnish European, 0.0026%; no homozygotes.

Submission:

CeGaT Center for Human Genetics Tuebingen
Classification: Uncertain significance. Last evaluated: 2025-06-01. Review status: criteria provided, single submitter. Criteria: CeGaT Center For Human Genetics Tuebingen Variant Classification Criteria Version 2. Collection method: clinical testing. Allele origin: germline. Affected: yes. Observed: 1 variant allele.
Comment: FARSA: PM2

NM_004461.3(FARSA):c.667C>T (p.His223Tyr)

Gene: FARSA (phenylalanyl-tRNA synthetase subunit alpha; minus strand). Cytogenetic location: 19p13.13.
Variant type: single nucleotide variant.
Coding change: c.667C>T on transcript NM_004461.3 (MANE Select); coding-DNA position 667, C replaced by T.
Protein change: p.His223Tyr; replaces histidine 223 with tyrosine.
Molecular consequence: missense variant.
Genome position (GRCh38, 1-based): chr19:12,928,593, G>A on the plus strand (C>T on the coding strand, the complement: FARSA is on the minus strand). VCF-style: chr19-12928593-G-A. GRCh37 (hg19) VCF-style: chr19-13039407-G-A.
Other names: short protein forms H223Y.
Identifiers: ClinVar variation 4085073 (VCV004085073.8).